The following is an entry in ClinVar:

ClinVar aggregate classification (germline): Uncertain significance. Review status: criteria provided, multiple submitters, no conflicts (2 of 4 stars). 2 submissions from 2 submitters: Uncertain significance (2). Last evaluated 2025-07-06.

Conditions:
Early-infantile DEE. Also called: Ohtahara syndrome; Early infantile epileptic encephalopathy; Early infantile epileptic encephalopathy with suppression bursts. Identifiers: Orphanet 1934, MedGen C0393706, MONDO:0800491.

Allele frequency attached by ClinVar (database versions not stated): TOPMed below 0.00001; gnomAD 0.00001; gnomAD exomes 0.00001 and 0.00002; ExAC 0.00003.
gnomAD v4.1: 9 of 1,603,106 alleles (0.00056%); highest among the groups gnomAD compares: Non-Finnish European, 0.00076%; no homozygotes.

Submissions (2):

Labcorp Genetics (formerly Invitae), Labcorp
Classification: Uncertain significance for Early-infantile DEE. Last evaluated: 2025-07-06. Review status: criteria provided, single submitter. Criteria: Invitae Variant Classification Sherloc (09022015). Collection method: clinical testing. Allele origin: germline.
Comment: This sequence change replaces arginine, which is basic and polar, with glycine, which is neutral and non-polar, at codon 559 of the ARHGEF15 protein (p.Arg559Gly). This variant is present in population databases (rs758564151, gnomAD 0.005%). This variant has not been reported in the literature in individuals affected with ARHGEF15-related conditions. ClinVar contains an entry for this variant (Variation ID: 1388112). An algorithm developed to predict the effect of missense changes on protein structure and function (PolyPhen-2) suggests that this variant is likely to be disruptive. In summary, the available evidence is currently insufficient to determine the role of this variant in disease. Therefore, it has been classified as a Variant of Uncertain Significance.

Ambry Genetics
Classification: Uncertain significance. Last evaluated: 2023-04-18. Review status: criteria provided, single submitter. Criteria: Ambry Variant Classification Scheme 2023. Collection method: clinical testing. Allele origin: germline.

NM_173728.4(ARHGEF15):c.1675C>G (p.Arg559Gly)

Gene: ARHGEF15 (Rho guanine nucleotide exchange factor 15; plus strand). Cytogenetic location: 17p13.1.
Variant type: single nucleotide variant.
Coding change: c.1675C>G on transcript NM_173728.4 (MANE Select); coding-DNA position 1675, C replaced by G.
Protein change: p.Arg559Gly; replaces arginine 559 with glycine.
Molecular consequence: missense variant.
Genome position (GRCh38, 1-based): chr17:8,316,119, C>G. VCF-style: chr17-8316119-C-G. GRCh37 (hg19) VCF-style: chr17-8219437-C-G.
Other names: c.1675C>G (NM_173728.3); c.1675C>G, p.Arg559Gly (NM_025014.2); short protein forms R559G.
Identifiers: ClinVar variation 1388112 (VCV001388112.8), dbSNP rs758564151, ClinGen allele CA8375241.